The following is an entry in ClinVar:

ClinVar aggregate classification (germline): Uncertain significance (1 of 4 stars; one submission).

Conditions:
Catecholaminergic polymorphic ventricular tachycardia 1. Also called: RYR2-Related Catecholaminergic Polymorphic Ventricular Tachycardia; VENTRICULAR TACHYCARDIA, CATECHOLAMINERGIC POLYMORPHIC, 1, WITH OR WITHOUT ATRIAL DYSFUNCTION AND/OR DILATED CARDIOMYOPATHY; VENTRICULAR TACHYCARDIA, STRESS-INDUCED POLYMORPHIC 1. Identifiers: Orphanet 3286, MedGen C1631597, MONDO:0011484, OMIM 604772.

Submission:

Labcorp Genetics (formerly Invitae), Labcorp
Classification: Uncertain significance for Catecholaminergic polymorphic ventricular tachycardia 1. Last evaluated: 2020-08-01. Review status: criteria provided, single submitter. Criteria: Invitae Variant Classification Sherloc (09022015). Collection method: clinical testing. Allele origin: germline.
Comment: In summary, the available evidence is currently insufficient to determine the role of this variant in disease. Therefore, it has been classified as a Variant of Uncertain Significance. Algorithms developed to predict the effect of missense changes on protein structure and function are either unavailable or do not agree on the potential impact of this missense change (SIFT: "Deleterious"; PolyPhen-2: "Possibly Damaging"; Align-GVGD: "Class C0"). This variant has not been reported in the literature in individuals with CASQ2-related conditions. This variant is not present in population databases (ExAC no frequency). This sequence change replaces leucine with valine at codon 313 of the CASQ2 protein (p.Leu313Val). The leucine residue is highly conserved and there is a small physicochemical difference between leucine and valine.

NM_001232.4(CASQ2):c.937C>G (p.Leu313Val)

Gene: CASQ2 (calsequestrin 2; minus strand). Cytogenetic location: 1p13.1.
Variant type: single nucleotide variant.
Coding change: c.937C>G on transcript NM_001232.4 (MANE Select); coding-DNA position 937, C replaced by G.
Protein change: p.Leu313Val; replaces leucine 313 with valine.
Molecular consequence: missense variant.
Genome position (GRCh38, 1-based): chr1:115,705,194, G>C on the plus strand (C>G on the coding strand, the complement: CASQ2 is on the minus strand). VCF-style: chr1-115705194-G-C. GRCh37 (hg19) VCF-style: chr1-116247815-G-C.
Other names: short protein forms L313V.
Identifiers: ClinVar variation 1001283 (VCV001001283.10), dbSNP rs1654321088, ClinGen allele CA341766745.
Genomic context (GRCh38, chr1:115,705,194, plus strand): 5'-ACGCAATCATGAGGTTGTGACAGCAACTGAGGGTGGGGCGCTGGCTGGAGCCACTCACCA[G>C]AGGAAAGTCGTCCGGGTCGATCCACAGGATGCTCAGATCGGGGTTGTCAGTATTGTCCCG-3'
Protein context (NP_001223.2, residues 303-323): ILWIDPDDFP[Leu313Val]LVAYWEKTFK